The following is an entry in ClinVar:

NM_001114753.3(ENG):c.1515del (p.Glu505fs)

Genes: ENG (endoglin; minus strand), LOC102723566 (uncharacterized LOC102723566; plus strand). Cytogenetic location: 9q34.11.
Variant type: Deletion.
Coding change: c.1515del on transcript NM_001114753.3 (MANE Select); coding-DNA position 1515, one base deleted (A; older notation c.1515delA).
Protein change: p.Glu505fs; shifts the reading frame from glutamic acid 505.
Molecular consequence: frameshift variant.
Genome position (GRCh38, 1-based): chr9:127,818,291, T deleted on the plus strand (A on the coding strand, the reverse complement: ENG is on the minus strand); the first of 2 consecutive T bases (chr9:127,818,291-127,818,292); deleting either gives the same sequence. VCF-style (leftmost placement, unchanged base first): chr9-127818290-GT-G. GRCh37 (hg19) VCF-style: chr9-130580569-GT-G.
Other names: c.1514delA, p.Glu505Aspfs (NM_000118.4); c.969del, p.Glu323fs (NM_001278138.2); short protein forms E323fs, E505fs.
Identifiers: ClinVar variation 2031425 (VCV002031425.4), dbSNP rs1564452667, ClinGen allele CA2580079655.

ClinVar aggregate classification (germline): Pathogenic (1 of 4 stars; one submission).

Conditions:
Hereditary hemorrhagic telangiectasia (HHT). Also called: ORW DISEASE; Osler Weber Rendu syndrome; OSLER-RENDU-WEBER DISEASE; Osler hemorrhagic telangiectasia syndrome. Identifiers: Orphanet 774, MedGen C0039445, MONDO:0019180. Disease mechanism: loss of function.

Submission:

Labcorp Genetics (formerly Invitae), Labcorp
Classification: Pathogenic for Hereditary hemorrhagic telangiectasia. Last evaluated: 2022-09-20. Review status: criteria provided, single submitter. Criteria: Invitae Variant Classification Sherloc (09022015). Collection method: clinical testing. Allele origin: germline.
Comment: This variant is not present in population databases (gnomAD no frequency). This sequence change creates a premature translational stop signal (p.Glu505Aspfs*13) in the ENG gene. It is expected to result in an absent or disrupted protein product. Loss-of-function variants in ENG are known to be pathogenic (PMID: 15879500). This variant has not been reported in the literature in individuals affected with ENG-related conditions. For these reasons, this variant has been classified as Pathogenic.

Literature cited by the submitters: PubMed 15879500.